The following is an entry in ClinVar:

NM_000053.4(ATP7B):c.1285+3A>G

Gene: ATP7B (ATPase copper transporting beta; minus strand). Cytogenetic location: 13q14.3.
Variant type: single nucleotide variant.
Coding change: c.1285+3A>G on transcript NM_000053.4 (MANE Select); 3 bases into the intron after coding-DNA position 1285, A replaced by G.
Molecular consequence: intron variant.
Genome position (GRCh38, 1-based): chr13:51,973,932, T>C on the plus strand (A>G on the coding strand, the complement: ATP7B is on the minus strand). VCF-style: chr13-51973932-T-C. GRCh37 (hg19) VCF-style: chr13-52548068-T-C.
Other names: c.952+3A>G (NM_001243182.2); c.1285+3A>G (NM_001005918.3, NM_001330579.2, NM_001330578.2).
Identifiers: ClinVar variation 2000836 (VCV002000836.4), dbSNP rs2547812867, ClinGen allele CA2580087664.
Genomic context (GRCh38, chr13:51,973,932, plus strand): 5'-GAGCTATAAGACACAAAGAGAAAAGGAGACAAGCTCAGGACATGCCTCAAACACACTACG[T>C]ACCAGAAACGACTGAAGCCTCAAATCCCATGTCTTCTATAGCAGCTCTGAGTTCTTCTGG-3'

ClinVar aggregate classification (germline): Uncertain significance (1 of 4 stars; one submission).

Conditions:
Wilson disease (WND). Also called: Wilson's disease. Identifiers: Orphanet 905, MedGen C0019202, MONDO:0010200, OMIM 277900. Disease mechanism: loss of function.

Allele frequency attached by ClinVar (database versions not stated): gnomAD exomes below 0.00001.
gnomAD v4.1: 1 of 1,614,264 alleles (0.000062%); highest among the groups gnomAD compares: South Asian, 0.0011%; no homozygotes.

Submission:

Labcorp Genetics (formerly Invitae), Labcorp
Classification: Uncertain significance for Wilson disease. Last evaluated: 2024-10-18. Review status: criteria provided, single submitter. Criteria: Invitae Variant Classification Sherloc (09022015). Collection method: clinical testing. Allele origin: germline.
Comment: This sequence change falls in intron 2 of the ATP7B gene. It does not directly change the encoded amino acid sequence of the ATP7B protein. It affects a nucleotide within the consensus splice site. This variant is not present in population databases (gnomAD no frequency). This variant has not been reported in the literature in individuals affected with ATP7B-related conditions. ClinVar contains an entry for this variant (Variation ID: 2000836). Variants that disrupt the consensus splice site are a relatively common cause of aberrant splicing (PMID: 17576681, 9536098). Algorithms developed to predict the effect of sequence changes on RNA splicing suggest that this variant may disrupt the consensus splice site. In summary, the available evidence is currently insufficient to determine the role of this variant in disease. Therefore, it has been classified as a Variant of Uncertain Significance.

Literature cited by the submitters: PubMed 17576681; PubMed 9536098.